The following is an entry in ClinVar:

NM_001033047.3(NPNT):c.1142C>T (p.Pro381Leu)

Gene: NPNT (nephronectin; plus strand). Cytogenetic location: 4q24.
Variant type: single nucleotide variant.
Coding change: c.1142C>T on transcript NM_001033047.3 (MANE Select); coding-DNA position 1142, C replaced by T.
Protein change: p.Pro381Leu; replaces proline 381 with leucine.
Molecular consequence: missense variant.
Genome position (GRCh38, 1-based): chr4:105,942,685, C>T. VCF-style: chr4-105942685-C-T. GRCh37 (hg19) VCF-style: chr4-106863842-C-T.
Other names: c.1193C>T, p.Pro398Leu (NM_001184690.2); c.1232C>T, p.Pro411Leu (NM_001184691.2, NM_001184693.2); c.1142C>T, p.Pro381Leu (NM_001184692.2); short protein forms P381L, P398L, P411L.
Identifiers: ClinVar variation 2655007 (VCV002655007.24), dbSNP rs143758714, ClinGen allele CA3034395.
Genomic context (GRCh38, chr4:105,942,685, plus strand): 5'-CCAGTACACCTCCAGGAGGGATTACAGTTGACAACAGGGTACAGACAGACCCTCAGAAAC[C>T]CAGAGGAGATGTGTTCAGTAAGTCTAATAAATGTTAGCACATTTTCAATAGGCTCTTTAT-3'
Protein context (NP_001028219.1, residues 371-391): DNRVQTDPQK[Pro381Leu]RGDVFIPRQP

ClinVar aggregate classification (germline): Likely benign (1 of 4 stars; one submission).

Allele frequency attached by ClinVar (database versions not stated): 1000 Genomes Project 0.00240; 1000 Genomes Project 30x 0.00250; gnomAD 0.00349; ESP Exome Variant Server 0.00369; ExAC 0.00385; TOPMed 0.00394; gnomAD exomes 0.00436.
gnomAD v4.1: 6,931 of 1,610,818 alleles (0.43%); highest among the groups gnomAD compares: Middle Eastern, 0.73%; 24 homozygotes.

Submission:

CeGaT Center for Human Genetics Tuebingen
Classification: Likely benign. Last evaluated: 2023-02-01. Review status: criteria provided, single submitter. Criteria: CeGaT Center For Human Genetics Tuebingen Variant Classification Criteria Version 2. Collection method: clinical testing. Allele origin: germline. Affected: yes. Observed: 1 variant allele.
Comment: NPNT: BS2